The following is an entry in ClinVar:

ClinVar aggregate classification (germline): Pathogenic (1 of 4 stars; one submission).

Conditions:
Mosaic variegated aneuploidy syndrome 1 (MVA1). Also called: Warburton-Anyane-Yeboa syndrome. Identifiers: Orphanet 1052, MedGen C1850343, MONDO:0009759, OMIM 257300.

Submission:

Labcorp Genetics (formerly Invitae), Labcorp
Classification: Pathogenic for Mosaic variegated aneuploidy syndrome 1. Last evaluated: 2021-07-14. Review status: criteria provided, single submitter. Criteria: Invitae Variant Classification Sherloc (09022015). Collection method: clinical testing. Allele origin: germline.
Comment: This variant is not present in population databases (ExAC no frequency). This variant has not been reported in the literature in individuals affected with BUB1B-related conditions. For these reasons, this variant has been classified as Pathogenic. This sequence change creates a premature translational stop signal (p.Leu959*) in the BUB1B gene. It is expected to result in an absent or disrupted protein product. Loss-of-function variants in BUB1B are known to be pathogenic (PMID: 15475955, 21190457).

Literature cited by the submitters: PubMed 15475955; PubMed 21190457.

NM_001211.6(BUB1B):c.2876T>G (p.Leu959Ter)

Genes: BUB1B (BUB1 mitotic checkpoint serine/threonine kinase B; plus strand), BUB1B-PAK6 (BUB1B-PAK6 readthrough; plus strand). Cytogenetic location: 15q15.1.
Variant type: single nucleotide variant.
Coding change: c.2876T>G on transcript NM_001211.6 (MANE Select); coding-DNA position 2876, T replaced by G.
Protein change: p.Leu959Ter; replaces leucine 959 with a stop codon.
Molecular consequence: nonsense. On other transcripts: intron variant (2).
Genome position (GRCh38, 1-based): chr15:40,218,481, T>G. VCF-style: chr15-40218481-T-G. GRCh37 (hg19) VCF-style: chr15-40510682-T-G.
Other names: c.-201+814T>G (NM_001128628.3); c.-118+814T>G (NM_001128629.3); short protein forms L959*.
Identifiers: ClinVar variation 1367214 (VCV001367214.6), dbSNP rs2140912326, ClinGen allele CA391688230.